The following is an entry in ClinVar:

ClinVar aggregate classification (germline): Uncertain significance. Review status: criteria provided, multiple submitters, no conflicts (2 of 4 stars). 3 submissions from 3 submitters: Uncertain significance (3). Last evaluated 2025-11-20.

Conditions:
Inborn genetic diseases. Identifiers: MedGen C0950123, MeSH D030342.

Allele frequency attached by ClinVar (database versions not stated): ExAC 0.00001; gnomAD 0.00002; TOPMed 0.00003.
gnomAD v4.1: 23 of 1,584,104 alleles (0.0015%); highest among the groups gnomAD compares: Admixed American, 0.0037%; no homozygotes.

Submissions (3):

Ambry Genetics
Classification: Uncertain significance for Inborn genetic diseases. Last evaluated: 2025-11-20. Review status: criteria provided, single submitter. Criteria: Ambry Variant Classification Scheme 2023. Collection method: clinical testing. Allele origin: germline.

Blueprint Genetics
Classification: Uncertain significance. Last evaluated: 2023-03-23. Review status: criteria provided, single submitter. Criteria: ACMG Guidelines, 2015. Collection method: clinical testing. Allele origin: germline.

Labcorp Genetics (formerly Invitae), Labcorp
Classification: Uncertain significance. Last evaluated: 2022-07-30. Review status: criteria provided, single submitter. Criteria: Invitae Variant Classification Sherloc (09022015). Collection method: clinical testing. Allele origin: germline.
Comment: This sequence change replaces arginine, which is basic and polar, with cysteine, which is neutral and slightly polar, at codon 473 of the SKIV2L protein (p.Arg473Cys). This variant is present in population databases (rs757796553, gnomAD 0.007%). This variant has not been reported in the literature in individuals affected with SKIV2L-related conditions. Algorithms developed to predict the effect of missense changes on protein structure and function are either unavailable or do not agree on the potential impact of this missense change (SIFT: "Deleterious"; PolyPhen-2: "Possibly Damaging"; Align-GVGD: "Class C0"). In summary, the available evidence is currently insufficient to determine the role of this variant in disease. Therefore, it has been classified as a Variant of Uncertain Significance.

NM_006929.5(SKIC2):c.1417C>T (p.Arg473Cys)

Gene: SKIC2 (SKI2 subunit of superkiller complex; plus strand). Cytogenetic location: 6p21.33.
Variant type: single nucleotide variant.
Coding change: c.1417C>T on transcript NM_006929.5 (MANE Select); coding-DNA position 1417, C replaced by T.
Protein change: p.Arg473Cys; replaces arginine 473 with cysteine.
Molecular consequence: missense variant.
Genome position (GRCh38, 1-based): chr6:31,963,426, C>T. VCF-style: chr6-31963426-C-T. GRCh37 (hg19) VCF-style: chr6-31931203-C-T.
Other names: c.1417C>T (NM_006929.4); short protein forms R473C.
Identifiers: ClinVar variation 2420162 (VCV002420162.5), dbSNP rs757796553, ClinGen allele CA3729481.